The following is an entry in ClinVar:

ClinVar aggregate classification (germline): Uncertain significance. Review status: criteria provided, multiple submitters, no conflicts (2 of 4 stars). 2 submissions from 2 submitters: Uncertain significance (2). Last evaluated 2025-04-13.

Conditions:
Charcot-Marie-Tooth disease type 2. Also called: Charcot-Marie-Tooth type 2. Identifiers: Orphanet 64746, MedGen C0270914, MONDO:0018993.

Submissions (2):

Labcorp Genetics (formerly Invitae), Labcorp
Classification: Uncertain significance for Charcot-Marie-Tooth disease type 2. Last evaluated: 2025-04-13. Review status: criteria provided, single submitter. Criteria: Invitae Variant Classification Sherloc (09022015). Collection method: clinical testing. Allele origin: germline.
Comment: This sequence change replaces aspartic acid, which is acidic and polar, with asparagine, which is neutral and polar, at codon 970 of the KIF1B protein (p.Asp970Asn). This variant is not present in population databases (gnomAD no frequency). This variant has not been reported in the literature in individuals affected with KIF1B-related conditions. ClinVar contains an entry for this variant (Variation ID: 1721084). An algorithm developed to predict the effect of missense changes on protein structure and function (PolyPhen-2) suggests that this variant is likely to be disruptive. In summary, the available evidence is currently insufficient to determine the role of this variant in disease. Therefore, it has been classified as a Variant of Uncertain Significance.

Ambry Genetics
Classification: Uncertain significance. Last evaluated: 2024-09-30. Review status: criteria provided, single submitter. Criteria: Ambry Variant Classification Scheme 2023. Collection method: clinical testing. Allele origin: germline.
Comment: The p.D970N variant (also known as c.2908G>A), located in coding exon 26 of the KIF1B gene, results from a G to A substitution at nucleotide position 2908. The aspartic acid at codon 970 is replaced by asparagine, an amino acid with highly similar properties. This amino acid position is conserved. In addition, this alteration is predicted to be tolerated by in silico analysis. Based on the available evidence, the clinical significance of this variant remains unclear.

NM_001365951.3(KIF1B):c.3046G>A (p.Asp1016Asn)

Gene: KIF1B (kinesin family member 1B; plus strand). Cytogenetic location: 1p36.22.
Variant type: single nucleotide variant.
Coding change: c.3046G>A on transcript NM_001365951.3 (MANE Select); coding-DNA position 3046, G replaced by A.
Protein change: p.Asp1016Asn; replaces aspartic acid 1016 with asparagine.
Molecular consequence: missense variant.
Genome position (GRCh38, 1-based): chr1:10,336,659, G>A. VCF-style: chr1-10336659-G-A. GRCh37 (hg19) VCF-style: chr1-10396717-G-A.
Other names: c.3046G>A, p.Asp1016Asn (NM_001365952.1); c.2908G>A, p.Asp970Asn (NM_015074.3); short protein forms D1016N, D970N.
Identifiers: ClinVar variation 1721084 (VCV001721084.6), dbSNP rs2521715288, ClinGen allele CA338339240.